The following is an entry in ClinVar:

ClinVar aggregate classification (germline): Benign. Review status: criteria provided, multiple submitters, no conflicts (2 of 4 stars). 2 submissions from 2 submitters: Benign (2). Last evaluated 2018-06-14.

Allele frequency attached by ClinVar (database versions not stated): ExAC 0.02554; gnomAD exomes 0.05187.

Submissions (5):

GeneDx
Classification: Benign. Last evaluated: 2018-06-14. Review status: criteria provided, single submitter. Criteria: GeneDx Variant Classification (06012015). Collection method: clinical testing. Allele origin: germline. Affected: yes.
Comment: This variant is considered likely benign or benign based on one or more of the following criteria: it is a conservative change, it occurs at a poorly conserved position in the protein, it is predicted to be benign by multiple in silico algorithms, and/or has population frequency not consistent with disease.

Breakthrough Genomics
Classification: Benign. Review status: criteria provided, single submitter. Criteria: ACMG Guidelines, 2015. Collection method: not provided. Allele origin: germline. Inheritance: Autosomal recessive inheritance. Affected: yes.

Dr. Peter K. Rogan Lab, Western University
No classification provided (evidence only). Condition: Familial cancer of breast. Review status: no classification provided. Collection method: in vitro. Allele origin: not applicable. Functional consequence: retained intron. Not counted in ClinVar's aggregate classification.

Dr. Peter K. Rogan Lab, Western University
No classification provided (evidence only). Condition: Thymoma. Review status: no classification provided. Collection method: in vitro. Allele origin: not applicable. Functional consequence: retained intron. Not counted in ClinVar's aggregate classification.

Dr. Peter K. Rogan Lab, Western University
No classification provided (evidence only). Condition: Thymoma. Review status: no classification provided. Collection method: in vitro. Allele origin: not applicable. Functional consequence: retained intron. Not counted in ClinVar's aggregate classification.

NM_002474.3(MYH11):c.1129+41T>G

Gene: MYH11 (myosin heavy chain 11; minus strand). Cytogenetic location: 16p13.11.
Variant type: single nucleotide variant.
Coding change: c.1129+41T>G on transcript NM_002474.3 (MANE Select); 41 bases into the intron after coding-DNA position 1129, T replaced by G.
Molecular consequence: intron variant.
Genome position (GRCh38, 1-based): chr16:15,763,755, A>C on the plus strand (T>G on the coding strand, the complement: MYH11 is on the minus strand). VCF-style: chr16-15763755-A-C. GRCh37 (hg19) VCF-style: chr16-15857612-A-C.
Other names: NC_000016.9:g.15857612A>C; c.1129+41T>G (NM_022844.3); c.1150+41T>G (NM_001040114.2, NM_001040113.2).
Identifiers: ClinVar variation 675263 (VCV000675263.3), dbSNP rs751597365, ClinGen allele CA7922716.